The following is an entry in ClinVar:

ClinVar aggregate classification (germline): Uncertain significance. Review status: criteria provided, multiple submitters, no conflicts (2 of 4 stars). 2 submissions from 2 submitters: Uncertain significance (2). Last evaluated 2024-11-13.

Allele frequency attached by ClinVar (database versions not stated): ExAC 0.00001; gnomAD exomes 0.00002; gnomAD 0.00003; TOPMed 0.00008.
gnomAD v4.1: 38 of 1,612,816 alleles (0.0024%); highest among the groups gnomAD compares: East Asian, 0.0067%; no homozygotes.

Submissions (2):

Blueprint Genetics
Classification: Uncertain significance. Last evaluated: 2024-11-13. Review status: criteria provided, single submitter. Criteria: ACMG Guidelines, 2015. Collection method: clinical testing. Allele origin: germline.

Labcorp Genetics (formerly Invitae), Labcorp
Classification: Uncertain significance. Last evaluated: 2024-11-13. Review status: criteria provided, single submitter. Criteria: Invitae Variant Classification Sherloc (09022015). Collection method: clinical testing. Allele origin: germline.
Comment: This sequence change replaces glycine, which is neutral and non-polar, with arginine, which is basic and polar, at codon 99 of the TCF3 protein (p.Gly99Arg). This variant is present in population databases (rs763452882, gnomAD 0.005%). This variant has not been reported in the literature in individuals affected with TCF3-related conditions. ClinVar contains an entry for this variant (Variation ID: 1988752). Invitae Evidence Modeling of protein sequence and biophysical properties (such as structural, functional, and spatial information, amino acid conservation, physicochemical variation, residue mobility, and thermodynamic stability) indicates that this missense variant is not expected to disrupt TCF3 protein function with a negative predictive value of 80%. In summary, the available evidence is currently insufficient to determine the role of this variant in disease. Therefore, it has been classified as a Variant of Uncertain Significance.

NM_003200.5(TCF3):c.295G>A (p.Gly99Arg)

Gene: TCF3 (transcription factor 3; minus strand). Cytogenetic location: 19p13.3.
Variant type: single nucleotide variant.
Coding change: c.295G>A on transcript NM_003200.5 (MANE Select); coding-DNA position 295, G replaced by A.
Protein change: p.Gly99Arg; replaces glycine 99 with arginine.
Molecular consequence: missense variant.
Genome position (GRCh38, 1-based): chr19:1,632,041, C>T on the plus strand (G>A on the coding strand, the complement: TCF3 is on the minus strand). VCF-style: chr19-1632041-C-T. GRCh37 (hg19) VCF-style: chr19-1632040-C-T.
Other names: c.295G>A, p.Gly99Arg (NM_001136139.4, NM_001351778.2, NM_001351779.2); short protein forms G99R.
Identifiers: ClinVar variation 1988752 (VCV001988752.5), dbSNP rs763452882, ClinGen allele CA9050508.
Genomic context (GRCh38, chr19:1,632,041, plus strand): 5'-GGCCCACGTCTGCACATCTGTGCACAGCAGAGGGACCGCACCAGGCCAGGCACTCACCTC[C>T]GAGTCCCGGTCCCAGGAATGTGGATGAAGAGAGGCTGCTGTGCGACTCAGTGAAGTGGGT-3'
Protein context (NP_003191.1, residues 89-109): SSSTFLGPGL[Gly99Arg]GKSGERGAYA